The following is an entry in ClinVar:

ClinVar aggregate classification (germline): Likely pathogenic (1 of 4 stars; one submission).

Conditions:
Ornithine carbamoyltransferase deficiency (OTCD). Also called: ORNITHINE TRANSCARBAMYLASE DEFICIENCY; ORNITHINE TRANSCARBAMYLASE DEFICIENCY, HYPERAMMONEMIA DUE TO; OTC DEFICIENCY; Ornithine Carbamoyltransferase Deficiency Disease. Identifiers: Orphanet 664, MedGen C0268542, MONDO:0010703, OMIM 311250.

Submission:

Laboratory for Molecular Medicine, Mass General Brigham Personalized Medicine
Classification: Likely pathogenic for Ornithine carbamoyltransferase deficiency. Last evaluated: 2018-06-09. Review status: criteria provided, single submitter. Criteria: ACMG Guidelines, 2015. Collection method: clinical testing. Allele origin: germline.
Comment: The p.Lys289fs variant in OTC has not been previously reported in individuals with ornithine transcarbamylase (OTC) deficiency and or in large population studies. This variant is located in the last three bases of the exon, which is part of the 5’ splice region. Computational tools do predict altered splicing. Furthermore, this variant may cause a frameshift, which alters the protein’s amino acid sequence beginning at position 289 and leads to a premature termination codon 3 amino acids downstream. This alteration is then predicted to lead to a truncated or absent protein. Heterozygous loss of function of the OTC gene is an established disease mechanism in OTC deficiency. In summary, although additional studies are required to fully establish its clinical significance, the p.Lys289fs variant is likely pathogenic. ACMG/AMP Criteria applied: PVS1; PM2.

NM_000531.6(OTC):c.865_866del (p.Lys289fs)

Gene: OTC (ornithine transcarbamylase; plus strand). Cytogenetic location: Xp11.4.
Variant type: Deletion.
Coding change: c.865_866del on transcript NM_000531.6 (MANE Select); coding-DNA positions 865 to 866, 2 bases deleted (AA; older notation c.865_866delAA).
Protein change: p.Lys289fs; shifts the reading frame from lysine 289.
Molecular consequence: frameshift variant.
Genome position (GRCh38, 1-based): chrX:38,409,023-38,409,024, AA deleted. VCF-style (leftmost placement, unchanged base first): chrX-38409022-GAA-G. GRCh37 (hg19) VCF-style: chrX-38268275-GAA-G.
Other names: c.865_866del, p.Lys289fs (NM_001407092.1); short protein forms K289fs.
Identifiers: ClinVar variation 3076057 (VCV003076057.1), dbSNP rs2519979459, ClinGen allele CA913187826.